The following is an entry in ClinVar:

ClinVar aggregate classification (germline): Uncertain significance (1 of 4 stars; one submission).

Conditions:
Chédiak-Higashi syndrome (CHS). Also called: Chediak-Higashi Syndrome. Identifiers: Orphanet 167, MedGen C0007965, MONDO:0008963, OMIM 214500.

Submission:

Labcorp Genetics (formerly Invitae), Labcorp
Classification: Uncertain significance for Chédiak-Higashi syndrome. Last evaluated: 2022-01-11. Review status: criteria provided, single submitter. Criteria: Invitae Variant Classification Sherloc (09022015). Collection method: clinical testing. Allele origin: germline.
Comment: This sequence change replaces proline, which is neutral and non-polar, with alanine, which is neutral and non-polar, at codon 837 of the LYST protein (p.Pro837Ala). This variant is not present in population databases (gnomAD no frequency). This variant has not been reported in the literature in individuals affected with LYST-related conditions. Algorithms developed to predict the effect of missense changes on protein structure and function output the following: SIFT: "Tolerated"; PolyPhen-2: "Benign"; Align-GVGD: "Class C0". The alanine amino acid residue is found in multiple mammalian species, which suggests that this missense change does not adversely affect protein function. In summary, the available evidence is currently insufficient to determine the role of this variant in disease. Therefore, it has been classified as a Variant of Uncertain Significance.

NM_000081.4(LYST):c.2509C>G (p.Pro837Ala)

Gene: LYST (lysosomal trafficking regulator; minus strand). Cytogenetic location: 1q42.3.
Variant type: single nucleotide variant.
Coding change: c.2509C>G on transcript NM_000081.4 (MANE Select); coding-DNA position 2509, C replaced by G.
Protein change: p.Pro837Ala; replaces proline 837 with alanine.
Molecular consequence: missense variant.
Genome position (GRCh38, 1-based): chr1:235,806,627, G>C on the plus strand (C>G on the coding strand, the complement: LYST is on the minus strand). VCF-style: chr1-235806627-G-C. GRCh37 (hg19) VCF-style: chr1-235969927-G-C.
Other names: c.2509C>G, p.Pro837Ala (NM_001301365.1); short protein forms P837A.
Identifiers: ClinVar variation 2079841 (VCV002079841.1), dbSNP rs2527084730, ClinGen allele CA344956907.
Genomic context (GRCh38, chr1:235,806,627, plus strand): 5'-AAGTACCCACATGTACAGAGGACAACTCCTTCTGTTCAATGTCTATCCCATCAATATCTG[G>C]AACTGAGGCATCTTTCTGTTGCTCCCCTAGGCTGATTATCAGAGTTTCAAATGCTTTTAG-3'
Protein context (NP_000072.2, residues 827-847): LGEQQKDASV[Pro837Ala]DIDGIDIEQK